The following is an entry in ClinVar:

ClinVar aggregate classification (germline): Uncertain significance (1 of 4 stars; one submission).

Submission:

GeneDx
Classification: Uncertain significance. Last evaluated: 2026-01-13. Review status: criteria provided, single submitter. Criteria: GeneDx Variant Classification Process June 2021. Collection method: clinical testing. Allele origin: germline. Affected: yes.
Comment: Not observed at significant frequency in large population cohorts (gnomAD); In silico analysis suggests that this missense variant does not alter protein structure/function; Has not been previously published as pathogenic or benign to our knowledge

NM_020922.5(WNK3):c.2789C>T (p.Ala930Val)

Gene: WNK3 (WNK lysine deficient protein kinase 3; minus strand). Cytogenetic location: Xp11.22.
Variant type: single nucleotide variant.
Coding change: c.2789C>T on transcript NM_020922.5 (MANE Select); coding-DNA position 2789, C replaced by T.
Protein change: p.Ala930Val; replaces alanine 930 with valine.
Molecular consequence: missense variant.
Genome position (GRCh38, 1-based): chrX:54,249,559, G>A on the plus strand (C>T on the coding strand, the complement: WNK3 is on the minus strand). VCF-style: chrX-54249559-G-A. GRCh37 (hg19) VCF-style: chrX-54275992-G-A.
Other names: c.2789C>T, p.Ala930Val (NM_001002838.4, NM_001395166.1); short protein forms A930V.
Identifiers: ClinVar variation 3602146 (VCV003602146.2).
Genomic context (GRCh38, chrX:54,249,559, plus strand): 5'-GCACATTCAGAAATCTTACCATCAACCACATCCTTGTGTTCTGATTTGGAGGTGAAAAGT[G>A]CACGGTGGCATGGATTATTTTCTATAGTGAGCAATGTGTCCCGTGATATTTCCTTATTAC-3'
Protein context (NP_065973.2, residues 920-940): LTIENNPCHR[Ala930Val]LFTSKSEHKD